The following is an entry in ClinVar:

NM_000539.3(RHO):c.505G>C (p.Ala169Pro)

Gene: RHO (rhodopsin; plus strand). Cytogenetic location: 3q22.1.
Variant type: single nucleotide variant.
Coding change: c.505G>C on transcript NM_000539.3 (MANE Select); coding-DNA position 505, G replaced by C.
Protein change: p.Ala169Pro; replaces alanine 169 with proline.
Molecular consequence: missense variant.
Genome position (GRCh38, 1-based): chr3:129,531,019, G>C. VCF-style: chr3-129531019-G-C. GRCh37 (hg19) VCF-style: chr3-129249862-G-C.
Other names: short protein forms A169P.
Identifiers: ClinVar variation 2571185 (VCV002571185.27), dbSNP rs377687329, ClinGen allele CA354498681.

ClinVar aggregate classification (germline): Likely pathogenic (1 of 4 stars; one submission).

Submission:

CeGaT Center for Human Genetics Tuebingen
Classification: Likely pathogenic. Last evaluated: 2024-12-01. Review status: criteria provided, single submitter. Criteria: CeGaT Center For Human Genetics Tuebingen Variant Classification Criteria Version 2. Collection method: clinical testing. Allele origin: germline. Affected: yes. Observed: 2 variant alleles.
Comment: RHO: PP1:Strong, PM1, PM2, PS3:Supporting, PS4:Supporting, BP4